The following is an entry in ClinVar:

ClinVar aggregate classification (germline): Likely benign. Review status: criteria provided, single submitter (1 of 4 stars). 2 submissions from 2 submitters: Likely benign (1). 1 of the submissions does not count toward it. Last evaluated 2022-06-17.

Conditions:
KIDINS220-related disorder. Also called: KIDINS220-related condition.

Allele frequency attached by ClinVar (database versions not stated): 1000 Genomes Project 30x 0.00031; 1000 Genomes Project 0.00040.
gnomAD v4.1: 16 of 1,614,142 alleles (0.00099%); highest among the groups gnomAD compares: Middle Eastern, 0.016%; no homozygotes.

Submissions (2):

Labcorp Genetics (formerly Invitae), Labcorp
Classification: Likely benign. Last evaluated: 2022-06-17. Review status: criteria provided, single submitter. Criteria: Invitae Variant Classification Sherloc (09022015). Collection method: clinical testing. Allele origin: germline.

PreventionGenetics, part of Exact Sciences
Classification: Likely benign for KIDINS220-related condition. Last evaluated: 2019-03-25. Review status: no assertion criteria provided. Collection method: clinical testing. Allele origin: germline. Not counted in ClinVar's aggregate classification.
Comment: This variant is classified as likely benign based on ACMG/AMP sequence variant interpretation guidelines (Richards et al. 2015 PMID: 25741868, with internal and published modifications).

NM_020738.4(KIDINS220):c.4722G>C (p.Ser1574=)

Gene: KIDINS220 (kinase D interacting substrate 220; minus strand). Cytogenetic location: 2p25.1.
Variant type: single nucleotide variant.
Coding change: c.4722G>C on transcript NM_020738.4 (MANE Select); coding-DNA position 4722, G replaced by C.
Protein change: p.Ser1574=; no amino-acid change (serine 1574 retained).
Molecular consequence: synonymous variant. On other transcripts: intron variant (6).
Genome position (GRCh38, 1-based): chr2:8,731,314, C>G on the plus strand (G>C on the coding strand, the complement: KIDINS220 is on the minus strand). VCF-style: chr2-8731314-C-G. GRCh37 (hg19) VCF-style: chr2-8871444-C-G.
Other names: c.4725G>C, p.Ser1575= (NM_001348729.2); c.4668G>C, p.Ser1556= (NM_001348731.2); c.4665G>C, p.Ser1555= (NM_001348732.2); c.4554G>C, p.Ser1518= (NM_001348734.2); c.4551G>C, p.Ser1517= (NM_001348735.2); c.4425G>C, p.Ser1475= (NM_001348736.2); c.3882+2130G>C (NM_001348741.2, NM_001348742.2, NM_001348743.2); c.3996+2130G>C (NM_001348738.2); and 2 more.
Identifiers: ClinVar variation 1630984 (VCV001630984.10), dbSNP rs536421685, ClinGen allele CA1519319.